The following is an entry in ClinVar:

ClinVar aggregate classification (germline): Pathogenic (1 of 4 stars; one submission).

Conditions:
ALG1-congenital disorder of glycosylation. Also called: CDG Ik; ALG1-CDG; CONGENITAL DISORDER OF GLYCOSYLATION, TYPE Ik. Identifiers: Orphanet 79327, MedGen C2931005, MONDO:0012052, OMIM 608540.

Submission:

Labcorp Genetics (formerly Invitae), Labcorp
Classification: Pathogenic for ALG1-congenital disorder of glycosylation. Last evaluated: 2023-09-15. Review status: criteria provided, single submitter. Criteria: Invitae Variant Classification Sherloc (09022015). Collection method: clinical testing. Allele origin: germline.
Comment: For these reasons, this variant has been classified as Pathogenic. Algorithms developed to predict the effect of sequence changes on RNA splicing suggest that this variant may create or strengthen a splice site. This variant has not been reported in the literature in individuals affected with ALG1-related conditions. This variant is not present in population databases (gnomAD no frequency). This sequence change creates a premature translational stop signal (p.Tyr181*) in the ALG1 gene. It is expected to result in an absent or disrupted protein product. Loss-of-function variants in ALG1 are known to be pathogenic (PMID: 20679665, 23806237).

Literature cited by the submitters: PubMed 20679665; PubMed 23806237.

NM_019109.5(ALG1):c.543C>G (p.Tyr181Ter)

Gene: ALG1 (ALG1 chitobiosyldiphosphodolichol beta-mannosyltransferase; plus strand). Cytogenetic location: 16p13.3.
Variant type: single nucleotide variant.
Coding change: c.543C>G on transcript NM_019109.5 (MANE Select); coding-DNA position 543, C replaced by G.
Protein change: p.Tyr181Ter; replaces tyrosine 181 with a stop codon.
Molecular consequence: nonsense.
Genome position (GRCh38, 1-based): chr16:5,077,448, C>G. VCF-style: chr16-5077448-C-G. GRCh37 (hg19) VCF-style: chr16-5127449-C-G.
Other names: c.210C>G, p.Tyr70Ter (NM_001330504.2); short protein forms Y70*, Y181*.
Identifiers: ClinVar variation 2917289 (VCV002917289.3), dbSNP rs375670899, ClinGen allele CA394681223.
Genomic context (GRCh38, chr16:5,077,448, plus strand): 5'-TGTGGTGGTAGCGGAGGCCTGTCTAGGGCTCTGCTGACTGCTGATCTCTCTTTTCAGGTA[C>G]GAGAAGTTCTTTGGGCGCCTGTCCCACCTGAACCTGTGTGTTACCAATGCTATGCGAGAA-3'